The following is an entry in ClinVar:

ClinVar aggregate classification (germline): Uncertain significance (1 of 4 stars; one submission).

Allele frequency attached by ClinVar (database versions not stated): gnomAD exomes below 0.00001.
gnomAD v4.1: 2 of 1,609,590 alleles (0.00012%); highest among the groups gnomAD compares: Admixed American, 0.0017%; no homozygotes.

Submission:

Labcorp Genetics (formerly Invitae), Labcorp
Classification: Uncertain significance. Last evaluated: 2023-12-09. Review status: criteria provided, single submitter. Criteria: Invitae Variant Classification Sherloc (09022015). Collection method: clinical testing. Allele origin: germline.
Comment: This sequence change replaces arginine, which is basic and polar, with glutamine, which is neutral and polar, at codon 70 of the LMX1B protein (p.Arg70Gln). This variant is not present in population databases (gnomAD no frequency). This variant has not been reported in the literature in individuals affected with LMX1B-related conditions. Advanced modeling of protein sequence and biophysical properties (such as structural, functional, and spatial information, amino acid conservation, physicochemical variation, residue mobility, and thermodynamic stability) performed at Invitae indicates that this missense variant is not expected to disrupt LMX1B protein function with a negative predictive value of 80%. In summary, the available evidence is currently insufficient to determine the role of this variant in disease. Therefore, it has been classified as a Variant of Uncertain Significance.

NM_001174147.2(LMX1B):c.209G>A (p.Arg70Gln)

Gene: LMX1B (LIM homeobox transcription factor 1 beta; plus strand). Cytogenetic location: 9q33.3.
Variant type: single nucleotide variant.
Coding change: c.209G>A on transcript NM_001174147.2 (MANE Select); coding-DNA position 209, G replaced by A.
Protein change: p.Arg70Gln; replaces arginine 70 with glutamine.
Molecular consequence: missense variant.
Genome position (GRCh38, 1-based): chr9:126,615,452, G>A. VCF-style: chr9-126615452-G-A. GRCh37 (hg19) VCF-style: chr9-129377731-G-A.
Other names: c.209G>A, p.Arg70Gln (NM_001174146.2, NM_002316.4); short protein forms R70Q.
Identifiers: ClinVar variation 2881766 (VCV002881766.3), dbSNP rs2490517957, ClinGen allele CA374909991.